The following is an entry in ClinVar:

NM_000132.4(F8):c.5976G>A (p.Met1992Ile)

Gene: F8 (coagulation factor VIII; minus strand). Cytogenetic location: Xq28.
Variant type: single nucleotide variant.
Coding change: c.5976G>A on transcript NM_000132.4 (MANE Select); coding-DNA position 5976, G replaced by A.
Protein change: p.Met1992Ile; replaces methionine 1992 with isoleucine.
Molecular consequence: missense variant.
Genome position (GRCh38, 1-based): chrX:154,903,928, C>T on the plus strand (G>A on the coding strand, the complement: F8 is on the minus strand). VCF-style: chrX-154903928-C-T. GRCh37 (hg19) VCF-style: chrX-154132203-C-T.
Other names: p.Met1992Ile; c.5976G>A (NM_000132.3); short protein forms M1992I.
Identifiers: ClinVar variation 1685785 (VCV001685785.8), dbSNP rs782510443, ClinGen allele CA10567922.
Genomic context (GRCh38, chrX:154,903,928, plus strand): 5'-TAGAGTAGGTAGAAGAAAGAGCACAAACAAGCTCATACCTGGATAGAGATTGTACAGTGC[C>T]ATTTTATACTCCTCTTTTTTTCGTACAGTGAACACATGTCCACTGAAATGAATAGAATGG-3'
Protein context (NP_000123.1, residues 1982-2002): FTVRKKEEYK[Met1992Ile]ALYNLYPGVF

ClinVar aggregate classification (germline): Conflicting classifications of pathogenicity. Review status: criteria provided, conflicting classifications (1 of 4 stars). 6 submissions from 6 submitters: Likely pathogenic (1); Uncertain significance (5). Last evaluated 2026-08-26.

Conditions:
Hereditary factor VIII deficiency disease (HEMA). Also called: AUTOSOMAL HEMOPHILIA A; Hemophilia A, congenital; HEM A; Factor 8 deficiency, congenital; Hemophilia A; HEMOPHILIA, CLASSIC. Identifiers: Orphanet 98878, MedGen C0019069, MONDO:0010602, OMIM 306700.
F8-related disorder. Also called: F8-related condition.

Allele frequency attached by ClinVar (database versions not stated): ExAC 0.00001; gnomAD 0.00001; gnomAD exomes 0.00001 and 0.00002; TOPMed 0.00001.

Submissions (6):

PreventionGenetics, part of Exact Sciences
Classification: Uncertain significance for F8-related condition. Last evaluated: 2026-08-26. Review status: criteria provided, single submitter. Criteria: ACMG Guidelines, 2015. Collection method: clinical testing. Allele origin: germline.
Comment: The F8 c.5976G>A variant is predicted to result in the amino acid substitution p.Met1992Ile. This variant has been reported in individuals with hemophilia A (Table 3, Riccardi et al. 2010. PubMed ID: 20331761; Figure 4, Tagliaferri et al. 2011. PubMed ID: 21771207; described as p.Met1973Ile using legacy nomenclature, Supplemental Table 1, Markoff et al. 2009. PubMed ID: 19473423) and in an individual with venous thromboembolism (Suchon et al. 2024. PubMed ID: 39675565). This variant is reported in 0.0037% of alleles in individuals of Latino descent in gnomAD and has conflicting interpretations in ClinVar, ranging from uncertain to likely pathogenic (Variation ID: 1685785). At this time, the clinical significance of this variant is uncertain due to the absence of conclusive functional and genetic evidence.

Myriad Genetics, Inc.
Classification: Uncertain significance for Hereditary factor VIII deficiency disease. Last evaluated: 2026-04-30. Review status: criteria provided, single submitter. Criteria: Myriad Autosomal Dominant, Autosomal Recessive and X-Linked Classification Criteria (2023). Collection method: clinical testing. Allele origin: unknown.
Comment: NM_000132.3(F8):c.5976G>A(M1992I) is a missense variant classified as a variant of uncertain significance in the context of hemophilia A. M1992I has been observed in a case with relevant disease (PMID: 20331761). Relevant functional assessments of this variant are not available in the literature. M1992I has been observed in referenced population frequency databases. In summary, there is insufficient evidence to classify NM_000132.3(F8):c.5976G>A(M1992I) as pathogenic or benign. Please note: this variant was assessed in the context of healthy population screening.

Women's Health and Genetics/Laboratory Corporation of America, LabCorp
Classification: Uncertain significance. Last evaluated: 2025-07-01. Review status: criteria provided, single submitter. Criteria: LabCorp Variant Classification Summary - May 2015. Collection method: clinical testing. Allele origin: germline.
Comment: Variant summary: F8 c.5976G>A (p.Met1992Ile) results in a conservative amino acid change in the encoded protein sequence. Algorithms developed to predict the effect of missense changes on protein structure and function are either unavailable or do not agree on the potential impact of this missense change. The variant allele was found at a frequency of 9.9e-06 in 1207931 control chromosomes in the gnomAD database, including 5 hemizygous males. This frequency is not significantly higher than estimated for a pathogenic variant in F8 causing Factor VIII Deficiency (Hemophilia A) (9.9e-06 vs 0.0098), allowing no conclusion about variant significance. c.5976G>A has been reported in the literature in individual(s) affected with sporadic mild Hemophilia A without reported sex/genotype (e.g. Riccardi_2010, Tagliaferri_2012), without strong evidence for causality.These report(s) do not provide unequivocal conclusions about association of the variant with Factor VIII Deficiency (Hemophilia A). At least one publication reports experimental evidence evaluating an impact on protein function in patient sample(s). The most pronounced variant effect results in 10%-<30% of normal FVIII:C coagulation activity (Riccardi_2010). The following publications have been ascertained in the context of this evaluation (PMID: 20331761, 21771207, 39675565, 19473423, 37647632). ClinVar contains an entry for this variant (Variation ID: 1685785). Based on the evidence outlined above, the variant was classified as VUS-possibly pathogenic.

GeneDx
Classification: Uncertain significance. Last evaluated: 2025-06-11. Review status: criteria provided, single submitter. Criteria: GeneDx Variant Classification Process June 2021. Collection method: clinical testing. Allele origin: germline. Affected: yes.
Comment: Reported in the literature in at least one individual with a clinical diagnosis of sporadic mild Hemophilia A (PMID: 20331761); In silico analysis suggests that this missense variant does not alter protein structure/function; This variant is associated with the following publications: (PMID: 19473423, 21771207, 20331761, 39675565)

Mayo Clinic Laboratories, Mayo Clinic
Classification: Uncertain significance. Last evaluated: 2024-04-29. Review status: criteria provided, single submitter. Criteria: ACMG Guidelines, 2015. Collection method: clinical testing. Allele origin: germline. Observed: 1 variant allele.
Comment: PP3, PM1_supporting, PM2_moderate

ARUP Laboratories, Molecular Genetics and Genomics, ARUP Laboratories
Classification: Likely pathogenic. Last evaluated: 2024-04-10. Review status: criteria provided, single submitter. Criteria: ARUP Molecular Germline Variant Investigation Process 2024. Collection method: clinical testing. Allele origin: germline.
Comment: The F8 c.5976G>A; p.Met1992Ile variant (rs782510443) is reported in the literature in an individual affected with mild hemophilia A (Riccardi 2010). This variant is found in the general population with an overall allele frequency of 0.002% (3/183,131 alleles, including 2 hemizygotes) in the Genome Aggregation Database (v2.1.1). Computational analyses predict that this variant is deleterious (REVEL: 0.785). Based on available information, this variant is considered to be likely pathogenic. References: Riccardi F et al. Spectrum of F8 gene mutations in haemophilia A patients from a region of Italy: identification of 23 new mutations. Haemophilia. 2010 Sep 1;16(5):791-800. PMID: 20331761.

Literature cited by the submitters: PubMed 20331761 (cited by 3 submitters); PubMed 19473423 (cited by Women's Health and Genetics/Laboratory Corporation of America, LabCorp); PubMed 21771207 (cited by Women's Health and Genetics/Laboratory Corporation of America, LabCorp); PubMed 37647632 (cited by Women's Health and Genetics/Laboratory Corporation of America, LabCorp); PubMed 39675565 (cited by Women's Health and Genetics/Laboratory Corporation of America, LabCorp).